The following is an entry in ClinVar:

NC_012920.1(MT-ND1):m.4021A>G

Gene: MT-ND1 (mitochondrially encoded NADH dehydrogenase 1; plus strand).
Variant type: single nucleotide variant.
Genome position: chrM-4021-A-G.
Identifiers: ClinVar variation 692413 (VCV000692413.1), dbSNP rs199771084, ClinGen allele CA337096759.

ClinVar aggregate classification (germline): Benign (1 of 4 stars; one submission).

Conditions:
Leigh syndrome (NULS). Also called: Leigh's necrotizing encephalopathy; Leigh's disease; Leigh Syndrome (mtDNA deletion); Leigh Disease; Subacute necrotizing encephalopathy; Necrotizing encephalopathy infantile subacute of Leigh. Identifiers: Orphanet 506, MedGen C2931891, MONDO:0009723, OMIM 256000.

Submission:

Wong Mito Lab, Molecular and Human Genetics, Baylor College of Medicine
Classification: Benign for Leigh syndrome. Last evaluated: 2019-10-17. Review status: criteria provided, single submitter. Criteria: Modified ACMG Guidelines (Unpublished). Collection method: clinical testing. Allele origin: germline.
Comment: The NC_012920.1:m.4021A>G (YP_003024026.1:p.Thr239Ala) variant in MTND1 gene is interpretated to be a Benign variant based on the modified ACMG guidelines (unpublished). This variant meets the following evidence codes: BS1, BS2, BP4